The following is an entry in ClinVar:

ClinVar aggregate classification (germline): Likely pathogenic (1 of 4 stars; one submission).

Allele frequency attached by ClinVar (database versions not stated): gnomAD 0.00001; TOPMed 0.00001; ExAC 0.00002; ESP Exome Variant Server 0.00015.

Submission:

Labcorp Genetics (formerly Invitae), Labcorp
Classification: Likely pathogenic. Last evaluated: 2022-08-20. Review status: criteria provided, single submitter. Criteria: Invitae Variant Classification Sherloc (09022015). Collection method: clinical testing. Allele origin: germline.
Comment: In summary, the currently available evidence indicates that the variant is pathogenic, but additional data are needed to prove that conclusively. Therefore, this variant has been classified as Likely Pathogenic. Algorithms developed to predict the effect of sequence changes on RNA splicing suggest that this variant may disrupt the consensus splice site. This variant has not been reported in the literature in individuals affected with CLCNKB-related conditions. This variant is present in population databases (rs144725007, gnomAD 0.007%). This sequence change affects an acceptor splice site in intron 18 of the CLCNKB gene. It is expected to disrupt RNA splicing. Variants that disrupt the donor or acceptor splice site typically lead to a loss of protein function (PMID: 16199547), and loss-of-function variants in CLCNKB are known to be pathogenic (PMID: 24830959, 26920127, 28381550, 29254190).

Literature cited by the submitters: PubMed 16199547; PubMed 24830959; PubMed 26920127; PubMed 28381550; PubMed 29254190.

NM_000085.5(CLCNKB):c.1930-1G>A

Genes: CLCNKB (chloride voltage-gated channel Kb; plus strand), LOC106501713 (CLCNKB recombination region; plus strand). Cytogenetic location: 1p36.13.
Variant type: single nucleotide variant.
Coding change: c.1930-1G>A on transcript NM_000085.5 (MANE Select); the canonical splice acceptor site of the intron before coding-DNA position 1930, G replaced by A.
Molecular consequence: splice acceptor variant.
Genome position (GRCh38, 1-based): chr1:16,056,421, G>A. VCF-style: chr1-16056421-G-A. GRCh37 (hg19) VCF-style: chr1-16382916-G-A.
Other names: c.1420-1G>A (NM_001165945.2).
Identifiers: ClinVar variation 1915287 (VCV001915287.5), dbSNP rs144725007, ClinGen allele CA624102.